The following is an entry in ClinVar:

NM_001983.4(ERCC1):c.191C>T (p.Ala64Val)

Gene: ERCC1 (ERCC excision repair 1, endonuclease non-catalytic subunit; minus strand). Cytogenetic location: 19q13.32.
Variant type: single nucleotide variant.
Coding change: c.191C>T on transcript NM_001983.4 (MANE Select); coding-DNA position 191, C replaced by T.
Protein change: p.Ala64Val; replaces alanine 64 with valine.
Molecular consequence: missense variant.
Genome position (GRCh38, 1-based): chr19:45,421,308, G>A on the plus strand (C>T on the coding strand, the complement: ERCC1 is on the minus strand). VCF-style: chr19-45421308-G-A. GRCh37 (hg19) VCF-style: chr19-45924566-G-A.
Other names: c.191C>T, p.Ala64Val (NM_001166049.2, NM_001369408.1, NM_001369409.1 and 11 more transcripts); short protein forms A64V.
Identifiers: ClinVar variation 708637 (VCV000708637.13), dbSNP rs142631483, ClinGen allele CA9515536.

ClinVar aggregate classification (germline): Conflicting classifications of pathogenicity. Review status: criteria provided, conflicting classifications (1 of 4 stars). 3 submissions from 3 submitters: Uncertain significance (2); Likely benign (1). Last evaluated 2026-02-01.

Conditions:
Cerebrooculofacioskeletal syndrome 4 (COFS4). Identifiers: MedGen C1853100, MONDO:0012554, OMIM 610758.

Allele frequency attached by ClinVar (database versions not stated): 1000 Genomes Project 30x 0.00141; gnomAD exomes 0.00020; ExAC 0.00030; gnomAD 0.00045; ESP Exome Variant Server 0.00077; TOPMed 0.00077; 1000 Genomes Project 0.00140.
gnomAD v4.1: 192 of 1,614,138 alleles (0.012%); highest among the groups gnomAD compares: African/African-American, 0.24%; no homozygotes.

Submissions (3):

Labcorp Genetics (formerly Invitae), Labcorp
Classification: Likely benign. Last evaluated: 2026-02-01. Review status: criteria provided, single submitter. Criteria: Invitae Variant Classification Sherloc (09022015). Collection method: clinical testing. Allele origin: germline.

GeneDx
Classification: Uncertain significance. Last evaluated: 2020-01-20. Review status: criteria provided, single submitter. Criteria: GeneDx Variant Classification Process June 2021. Collection method: clinical testing. Allele origin: germline. Affected: yes.
Comment: Has not been previously published as pathogenic or benign to our knowledge; In silico analysis, which includes protein predictors and evolutionary conservation, supports that this variant does not alter protein structure/function; This variant is associated with the following publications: (PMID: 24158589)

Revvity Omics, Revvity
Classification: Uncertain significance for Cerebrooculofacioskeletal syndrome 4. Last evaluated: 2020-01-07. Review status: criteria provided, single submitter. Criteria: ACMG Guidelines, 2015. Collection method: clinical testing. Allele origin: germline.